The following is an entry in ClinVar:

NM_177438.3(DICER1):c.2771T>G (p.Leu924Ter)

Gene: DICER1 (dicer 1, ribonuclease III; minus strand). Cytogenetic location: 14q32.13.
Variant type: single nucleotide variant.
Coding change: c.2771T>G on transcript NM_177438.3 (MANE Select); coding-DNA position 2771, T replaced by G.
Protein change: p.Leu924Ter; replaces leucine 924 with a stop codon.
Molecular consequence: nonsense.
Genome position (GRCh38, 1-based): chr14:95,107,641, A>C on the plus strand (T>G on the coding strand, the complement: DICER1 is on the minus strand). VCF-style: chr14-95107641-A-C. GRCh37 (hg19) VCF-style: chr14-95573978-A-C.
Other names: c.2771T>G, p.Leu924Ter (NM_001195573.1, NM_001271282.3, NM_001291628.2 and 1 more transcripts); short protein forms L924*.
Identifiers: ClinVar variation 933061 (VCV000933061.4), dbSNP rs1891554979, ClinGen allele CA390879473.

ClinVar aggregate classification (germline): Pathogenic. Review status: criteria provided, multiple submitters, no conflicts (2 of 4 stars). 2 submissions from 2 submitters: Pathogenic (2). Last evaluated 2026-04-01.

Conditions:
DICER1-related tumor predisposition. Also called: DICER1-related pleuropulmonary blastoma cancer predisposition syndrome; DICER1 syndrome. Identifiers: Orphanet 284343, MedGen C3839822, MONDO:0100216.
Hereditary cancer-predisposing syndrome. Also called: Hereditary Cancer Syndrome; Neoplastic Syndromes, Hereditary; Tumor predisposition; Hereditary neoplastic syndrome. Identifiers: Orphanet 140162, MedGen C0027672, MeSH D009386, MONDO:0015356.

Submissions (2):

Ambry Genetics
Classification: Pathogenic for Hereditary cancer-predisposing syndrome. Last evaluated: 2026-04-01. Review status: criteria provided, single submitter. Criteria: Ambry Variant Classification Scheme 2023. Collection method: clinical testing. Allele origin: germline.
Comment: The p.L924* pathogenic mutation (also known as c.2771T>G), located in coding exon 16 of the DICER1 gene, results from a T to G substitution at nucleotide position 2771. This changes the amino acid from a leucine to a stop codon within coding exon 16. This variant was reported in individual(s) with features consistent with DICER1-associated tumor predisposition (Ambry internal data). This variant is considered to be rare based on population cohorts in the Genome Aggregation Database (gnomAD). This alteration is expected to result in loss of function by premature protein truncation or nonsense-mediated mRNA decay. As such, this alteration is interpreted as a disease-causing mutation.

Foulkes Cancer Genetics LDI, Lady Davis Institute for Medical Research
Classification: Pathogenic for Pleuropulmonary blastoma. Last evaluated: 2019-07-01. Review status: criteria provided, single submitter. Criteria: ACMG Guidelines, 2015. Collection method: curation. Allele origin: unknown. Affected: yes. Observed: 1 variant allele.
Comment: ACMG criteria met: PVS1, PM2, PP3

Literature cited by the submitters: PubMed 28825729 (cited by Foulkes Cancer Genetics LDI, Lady Davis Institute for Medical Research).